The following is an entry in ClinVar:

ClinVar aggregate classification (germline): Pathogenic (1 of 4 stars; one submission).

Submission:

Labcorp Genetics (formerly Invitae), Labcorp
Classification: Pathogenic. Last evaluated: 2024-07-31. Review status: criteria provided, single submitter. Criteria: Invitae Variant Classification Sherloc (09022015). Collection method: clinical testing. Allele origin: germline.
Comment: This sequence change creates a premature translational stop signal (p.Glu431Argfs*4) in the PPOX gene. While this is not anticipated to result in nonsense mediated decay, it is expected to disrupt the last 47 amino acid(s) of the PPOX protein. This variant is not present in population databases (gnomAD no frequency). This premature translational stop signal has been observed in individual(s) with clinical features of PPOX-related conditions (PMID: 21734717). This variant disrupts a region of the PPOX protein in which other variant(s) (p.Gln435*) have been determined to be pathogenic (PMID: 10486317, 11348478). This suggests that this is a clinically significant region of the protein, and that variants that disrupt it are likely to be disease-causing. For these reasons, this variant has been classified as Pathogenic.

Literature cited by the submitters: PubMed 21734717; PubMed 10486317; PubMed 11348478.

NM_001122764.3(PPOX):c.1289dup (p.Glu431fs)

Gene: PPOX (protoporphyrinogen oxidase; plus strand). Cytogenetic location: 1q23.3.
Variant type: Duplication.
Coding change: c.1289dup on transcript NM_001122764.3 (MANE Select); coding-DNA position 1289, one base duplicated (T; older notation c.1289dupT).
Protein change: p.Glu431fs; shifts the reading frame from glutamic acid 431.
Molecular consequence: frameshift variant.
Genome position (GRCh38, 1-based): chr1:161,170,947, T duplicated. VCF-style (leftmost placement, unchanged base first): chr1-161170946-C-CT. GRCh37 (hg19) VCF-style: chr1-161140736-C-CT.
Other names: c.1289dup, p.Glu431fs (NM_000309.5, NM_001365398.1); c.1190dup, p.Glu398fs (NM_001350128.2); c.881dup, p.Glu295fs (NM_001350129.2, NM_001365400.1); c.803dup, p.Glu269fs (NM_001350130.2, NM_001350131.2, NM_001365401.1); c.1178dup, p.Glu394fs (NM_001365399.1); short protein forms E269fs, E295fs, E398fs, E394fs, E431fs.
Identifiers: ClinVar variation 2734009 (VCV002734009.3), dbSNP rs2525361506, ClinGen allele CA2586964334.